The following is an entry in ClinVar:

NM_004991.4(MECOM):c.2193G>T (p.Lys731Asn)

Gene: MECOM (MDS1 and EVI1 complex locus; minus strand). Cytogenetic location: 3q26.2.
Variant type: single nucleotide variant.
Coding change: c.2193G>T on transcript NM_004991.4 (MANE Select); coding-DNA position 2193, G replaced by T.
Protein change: p.Lys731Asn; replaces lysine 731 with asparagine.
Molecular consequence: missense variant.
Genome position (GRCh38, 1-based): chr3:169,115,679, C>A on the plus strand (G>T on the coding strand, the complement: MECOM is on the minus strand). VCF-style: chr3-169115679-C-A. GRCh37 (hg19) VCF-style: chr3-168833467-C-A.
Other names: c.1824G>T, p.Lys608Asn (NM_001105077.4); c.1629G>T, p.Lys543Asn (NM_001105078.4, NM_001164000.2, NM_001205194.2 and 4 more transcripts); c.1632G>T, p.Lys544Asn (NM_001163999.2, NM_001366467.2, NM_001366468.2 and 1 more transcripts); c.2193G>T, p.Lys731Asn (NM_001366466.2); c.1221G>T, p.Lys407Asn (NM_001366473.2); c.657G>T, p.Lys219Asn (NM_001366474.2); short protein forms K608N, K219N, K407N, K544N, K543N, K731N.
Identifiers: ClinVar variation 4824292 (VCV004824292.1).

ClinVar aggregate classification (germline): Uncertain significance (1 of 4 stars; one submission).

Conditions:
Inborn genetic diseases. Identifiers: MedGen C0950123, MeSH D030342.

Submission:

Ambry Genetics
Classification: Uncertain significance for Inborn genetic diseases. Last evaluated: 2026-01-18. Review status: criteria provided, single submitter. Criteria: Ambry Variant Classification Scheme 2023. Collection method: clinical testing. Allele origin: germline.
Comment: The p.K731N variant (also known as c.2193G>T), located in coding exon 8 of the MECOM gene, results from a G to T substitution at nucleotide position 2193. The lysine at codon 731 is replaced by asparagine, an amino acid with similar properties. This amino acid position is conserved. In addition, this alteration is predicted to be tolerated by in silico analysis. Based on the available evidence, the clinical significance of this variant remains unclear.